The following is an entry in ClinVar:

NM_001165963.4(SCN1A):c.1888dup (p.Arg630fs)

Gene: SCN1A (sodium voltage-gated channel alpha subunit 1; minus strand). Cytogenetic location: 2q24.3.
Variant type: Duplication.
Coding change: c.1888dup on transcript NM_001165963.4 (MANE Select); coding-DNA position 1888, one base duplicated (C; older notation c.1888dupC).
Protein change: p.Arg630fs; shifts the reading frame from arginine 630.
Molecular consequence: frameshift variant. On other transcripts: 5 prime UTR variant (1), non-coding transcript variant (1).
Genome position (GRCh38, 1-based): chr2:166,043,824, G duplicated on the plus strand (C on the coding strand, the reverse complement: SCN1A is on the minus strand); the first of 3 consecutive G bases (chr2:166,043,824-166,043,826); duplicating any one gives the same sequence. VCF-style (leftmost placement, unchanged base first): chr2-166043823-C-CG. GRCh37 (hg19) VCF-style: chr2-166900333-C-CG.
Other names: c.1888dup, p.Arg630fs (NM_001165964.3, NM_001202435.3, NM_001353948.2 and 7 more transcripts); c.1885dup, p.Arg629fs (NM_001353954.2, NM_001353955.2, NM_001353960.2); c.-538dup (NM_001353961.2); short protein forms R630fs, R629fs.
Identifiers: ClinVar variation 972039 (VCV000972039.4), dbSNP rs1697439746, ClinGen allele CA1139655645.

ClinVar aggregate classification (germline): Pathogenic (1 of 4 stars; one submission).

Conditions:
Developmental and epileptic encephalopathy. Identifiers: MedGen C5779964, MONDO:0100620.

Submission:

Labcorp Genetics (formerly Invitae), Labcorp
Classification: Pathogenic for Early-infantile DEE. Last evaluated: 2019-11-07. Review status: criteria provided, single submitter. Criteria: Invitae Variant Classification Sherloc (09022015). Collection method: clinical testing. Allele origin: germline.
Comment: This sequence change creates a premature translational stop signal (p.Arg630Profs*46) in the SCN1A gene. It is expected to result in an absent or disrupted protein product. This variant is not present in population databases (ExAC no frequency). This variant has not been reported in the literature in individuals with SCN1A-related conditions. Loss-of-function variants in SCN1A are known to be pathogenic (PMID: 17347258, 18930999). For these reasons, this variant has been classified as Pathogenic.

Literature cited by the submitters: PubMed 17347258; PubMed 18930999.